The following is an entry in ClinVar:

ClinVar aggregate classification (germline): Uncertain significance (1 of 4 stars; one submission).

Conditions:
Inborn genetic diseases. Identifiers: MedGen C0950123, MeSH D030342.

Submission:

Ambry Genetics
Classification: Uncertain significance for Inborn genetic diseases. Last evaluated: 2026-03-14. Review status: criteria provided, single submitter. Criteria: Ambry Variant Classification Scheme 2023. Collection method: clinical testing. Allele origin: germline.
Comment: The p.V1206L variant (also known as c.3616G>C), located in coding exon 21 of the RECQL4 gene, results from a G to C substitution at nucleotide position 3616. The valine at codon 1206 is replaced by leucine, an amino acid with highly similar properties. This amino acid position is conserved. In addition, this alteration is predicted to be tolerated by in silico analysis. Based on the available evidence, the clinical significance of this variant remains unclear.

NM_004260.4(RECQL4):c.3616G>C (p.Val1206Leu)

Gene: RECQL4 (RecQ like helicase 4; minus strand). Cytogenetic location: 8q24.3.
Variant type: single nucleotide variant.
Coding change: c.3616G>C on transcript NM_004260.4 (MANE Select); coding-DNA position 3616, G replaced by C.
Protein change: p.Val1206Leu; replaces valine 1206 with leucine.
Molecular consequence: missense variant. On other transcripts: non-coding transcript variant (3).
Genome position (GRCh38, 1-based): chr8:144,511,442, C>G on the plus strand (G>C on the coding strand, the complement: RECQL4 is on the minus strand). VCF-style: chr8-144511442-C-G. GRCh37 (hg19) VCF-style: chr8-145736825-C-G.
Other names: c.3322G>C, p.Val1108Leu (NM_001413017.1); c.3418G>C, p.Val1140Leu (NM_001413018.1); c.3691G>C, p.Val1231Leu (NM_001413019.1); c.3520G>C, p.Val1174Leu (NM_001413020.1); c.2545G>C, p.Val849Leu (NM_001413021.1, NM_001413022.1, NM_001413024.1 and 4 more transcripts); c.2620G>C, p.Val874Leu (NM_001413023.1); c.3487G>C, p.Val1163Leu (NM_001413025.1); c.2479G>C, p.Val827Leu (NM_001413027.1, NM_001413030.1, NM_001413032.1); and 9 more; short protein forms V1174L, V1196L, V717L, V783L, V805L, V874L, V1162L, V1206L.
Identifiers: ClinVar variation 3152842 (VCV003152842.2), dbSNP rs1346196114, ClinGen allele CA372665576.